The following is an entry in ClinVar:

NM_003978.5(PSTPIP1):c.856A>G (p.Asn286Asp)

Gene: PSTPIP1 (proline-serine-threonine phosphatase interacting protein 1; plus strand). Cytogenetic location: 15q24.3.
Variant type: single nucleotide variant.
Coding change: c.856A>G on transcript NM_003978.5 (MANE Select); coding-DNA position 856, A replaced by G.
Protein change: p.Asn286Asp; replaces asparagine 286 with aspartic acid.
Molecular consequence: missense variant. On other transcripts: intron variant (1).
Genome position (GRCh38, 1-based): chr15:77,032,879, A>G. VCF-style: chr15-77032879-A-G. GRCh37 (hg19) VCF-style: chr15-77325220-A-G.
Other names: c.856A>G (LRG_172t1); c.829A>G, p.Asn277Asp (NM_001321136.2); c.1051A>G, p.Asn351Asp (NM_001321137.1); c.872+451A>G (NM_001321135.2); short protein forms N286D, N277D, N351D.
Identifiers: ClinVar variation 317181 (VCV000317181.40), dbSNP rs377437961, ClinGen allele CA7676052.

ClinVar aggregate classification (germline): Conflicting classifications of pathogenicity. Review status: criteria provided, conflicting classifications (1 of 4 stars). 5 submissions from 5 submitters: Uncertain significance (3); Benign (1); Likely benign (1). Last evaluated 2026-01-24.

Conditions:
Pyogenic arthritis-pyoderma gangrenosum-acne syndrome (PAPA). Also called: PAPA SYNDROME; FAMILIAL RECURRENT ARTHRITIS. Identifiers: Orphanet 69126, MedGen C1858361, MONDO:0011462, OMIM 604416.
Inborn genetic diseases. Identifiers: MedGen C0950123, MeSH D030342.

Allele frequency attached by ClinVar (database versions not stated): gnomAD 0.00013; TOPMed 0.00014; ESP Exome Variant Server 0.00017; ExAC 0.00035.
gnomAD v4.1: 171 of 1,596,288 alleles (0.011%); highest among the groups gnomAD compares: Non-Finnish European, 0.0023%; no homozygotes.

Submissions (5):

Labcorp Genetics (formerly Invitae), Labcorp
Classification: Likely benign for Pyogenic arthritis-pyoderma gangrenosum-acne syndrome. Last evaluated: 2026-01-24. Review status: criteria provided, single submitter. Criteria: Invitae Variant Classification Sherloc (09022015). Collection method: clinical testing. Allele origin: germline.

CeGaT Center for Human Genetics Tuebingen
Classification: Uncertain significance. Last evaluated: 2024-01-01. Review status: criteria provided, single submitter. Criteria: CeGaT Center For Human Genetics Tuebingen Variant Classification Criteria Version 2. Collection method: clinical testing. Allele origin: germline. Affected: yes. Observed: 1 variant allele.

Ambry Genetics
Classification: Uncertain significance for Inborn genetic diseases. Last evaluated: 2022-04-22. Review status: criteria provided, single submitter. Criteria: Ambry Variant Classification Scheme 2023. Collection method: clinical testing. Allele origin: germline.

Illumina Laboratory Services, Illumina
Classification: Benign for Pyogenic arthritis-pyoderma gangrenosum-acne syndrome. Last evaluated: 2018-01-13. Review status: criteria provided, single submitter. Criteria: ICSL Variant Classification Criteria 13 December 2019. Collection method: clinical testing. Allele origin: germline.
Comment: This variant was observed in the ICSL laboratory as part of a predisposition screen in an ostensibly healthy population. It had not been previously curated by ICSL or reported in the Human Gene Mutation Database (HGMD: prior to June 1st, 2018), and was therefore a candidate for classification through an automated scoring system. Utilizing variant allele frequency, disease prevalence and penetrance estimates, and inheritance mode, an automated score was calculated to assess if this variant is too frequent to cause the disease. Based on the score and internal cut-off values, a variant classified as benign is not then subjected to further curation. The score for this variant resulted in a classification of benign for this disease.

GeneDx
Classification: Uncertain significance. Last evaluated: 2016-08-05. Review status: criteria provided, single submitter. Criteria: GeneDx Variant Classification (06012015). Collection method: clinical testing. Allele origin: germline. Affected: yes.
Comment: To our knowledge, the N286D missense substitution has neither been published as a pathogenic variant, nor as a benign polymorphism. N286D represents a non-conservative amino acid substitution, as a neutral Asparagine residue is replaced by a negatively charged Aspartic Acid residue. In addition, this substitution occurs at a position in the PSTPIP1 protein that is highly conserved among species and is part of the coiled-coil domain. However, all currently known pathogenic variants in the PSTPIP1 gene have been identified in exons 10 and 11 and the pathogenicity of missense changes outside of these exons is unclear.